The following is an entry in ClinVar:

ClinVar aggregate classification (germline): Uncertain significance (1 of 4 stars; one submission).

gnomAD v4.1: 1 of 1,614,174 alleles (0.000062%); highest among the groups gnomAD compares: Non-Finnish European, 0.000085%; no homozygotes.

Submission:

Labcorp Genetics (formerly Invitae), Labcorp
Classification: Uncertain significance. Last evaluated: 2024-08-27. Review status: criteria provided, single submitter. Criteria: Invitae Variant Classification Sherloc (09022015). Collection method: clinical testing. Allele origin: germline.
Comment: This sequence change replaces alanine, which is neutral and non-polar, with serine, which is neutral and polar, at codon 1835 of the HSPG2 protein (p.Ala1835Ser). This variant is not present in population databases (gnomAD no frequency). This variant has not been reported in the literature in individuals affected with HSPG2-related conditions. An algorithm developed to predict the effect of missense changes on protein structure and function (PolyPhen-2) suggests that this variant is likely to be disruptive. In summary, the available evidence is currently insufficient to determine the role of this variant in disease. Therefore, it has been classified as a Variant of Uncertain Significance.

NM_005529.7(HSPG2):c.5503G>T (p.Ala1835Ser)

Gene: HSPG2 (heparan sulfate proteoglycan 2; minus strand). Cytogenetic location: 1p36.12.
Variant type: single nucleotide variant.
Coding change: c.5503G>T on transcript NM_005529.7 (MANE Select); coding-DNA position 5503, G replaced by T.
Protein change: p.Ala1835Ser; replaces alanine 1835 with serine.
Molecular consequence: missense variant.
Genome position (GRCh38, 1-based): chr1:21,857,087, C>A on the plus strand (G>T on the coding strand, the complement: HSPG2 is on the minus strand). VCF-style: chr1-21857087-C-A. GRCh37 (hg19) VCF-style: chr1-22183580-C-A.
Other names: c.5506G>T, p.Ala1836Ser (NM_001291860.2); short protein forms A1836S, A1835S.
Identifiers: ClinVar variation 3681679 (VCV003681679.2).